The following is an entry in ClinVar:

NM_001378418.1(TCF20):c.4414C>T (p.Pro1472Ser)

Gene: TCF20 (transcription factor 20; minus strand). Cytogenetic location: 22q13.2.
Variant type: single nucleotide variant.
Coding change: c.4414C>T on transcript NM_001378418.1 (MANE Select); coding-DNA position 4414, C replaced by T.
Protein change: p.Pro1472Ser; replaces proline 1472 with serine.
Molecular consequence: missense variant.
Genome position (GRCh38, 1-based): chr22:42,210,892, G>A on the plus strand (C>T on the coding strand, the complement: TCF20 is on the minus strand). VCF-style: chr22-42210892-G-A. GRCh37 (hg19) VCF-style: chr22-42606898-G-A.
Other names: c.4414C>T, p.Pro1472Ser (NM_005650.4, NM_181492.3); c.4414C>T (NM_005650.1); short protein forms P1472S.
Identifiers: ClinVar variation 2973832 (VCV002973832.4), dbSNP rs1920942772, ClinGen allele CA411784380.
Genomic context (GRCh38, chr22:42,210,892, plus strand): 5'-GAAAGATTAAAGGTGCTGTTCCACCCAGGGAACCATCTGGTCTCCCTTGGTTACTACCAG[G>A]CTTCTGTGAGGTTGTGGATGTCATGGCACCAGGGGGTTCCTTTCCGGCAGTAACTGTTTC-3'
Protein context (NP_001365347.1, residues 1462-1482): GAMTSTTSQK[Pro1472Ser]GSNQGRPDGS

ClinVar aggregate classification (germline): Uncertain significance. Review status: criteria provided, multiple submitters, no conflicts (2 of 4 stars). 2 submissions from 2 submitters: Uncertain significance (2). Last evaluated 2025-09-24.

Conditions:
Inborn genetic diseases. Identifiers: MedGen C0950123, MeSH D030342.

Allele frequency attached by ClinVar (database versions not stated): TOPMed below 0.00001.

Submissions (2):

Ambry Genetics
Classification: Uncertain significance for Inborn genetic diseases. Last evaluated: 2025-09-24. Review status: criteria provided, single submitter. Criteria: Ambry Variant Classification Scheme 2023. Collection method: clinical testing. Allele origin: germline.

Labcorp Genetics (formerly Invitae), Labcorp
Classification: Uncertain significance. Last evaluated: 2023-02-11. Review status: criteria provided, single submitter. Criteria: Invitae Variant Classification Sherloc (09022015). Collection method: clinical testing. Allele origin: germline.
Comment: This sequence change replaces proline, which is neutral and non-polar, with serine, which is neutral and polar, at codon 1472 of the TCF20 protein (p.Pro1472Ser). This variant is not present in population databases (gnomAD no frequency). In summary, the available evidence is currently insufficient to determine the role of this variant in disease. Therefore, it has been classified as a Variant of Uncertain Significance. Algorithms developed to predict the effect of missense changes on protein structure and function output the following: SIFT: "Tolerated"; PolyPhen-2: "Benign"; Align-GVGD: "Class C0". The serine amino acid residue is found in multiple mammalian species, which suggests that this missense change does not adversely affect protein function. This variant has not been reported in the literature in individuals affected with TCF20-related conditions.